The following is an entry in ClinVar:

NM_001365951.3(KIF1B):c.833T>G (p.Leu278Trp)

Gene: KIF1B (kinesin family member 1B; plus strand). Cytogenetic location: 1p36.22.
Variant type: single nucleotide variant.
Coding change: c.833T>G on transcript NM_001365951.3 (MANE Select); coding-DNA position 833, T replaced by G.
Protein change: p.Leu278Trp; replaces leucine 278 with tryptophan.
Molecular consequence: missense variant.
Genome position (GRCh38, 1-based): chr1:10,272,275, T>G. VCF-style: chr1-10272275-T-G. GRCh37 (hg19) VCF-style: chr1-10332333-T-G.
Other names: c.833T>G, p.Leu278Trp (NM_001365952.1, NM_001365953.1, NM_015074.3 and 1 more transcripts); short protein forms L278W.
Identifiers: ClinVar variation 1363658 (VCV001363658.9), dbSNP rs1648841810, ClinGen allele CA338331812.

ClinVar aggregate classification (germline): Uncertain significance. Review status: criteria provided, multiple submitters, no conflicts (2 of 4 stars). 2 submissions from 2 submitters: Uncertain significance (2). Last evaluated 2026-08-08.

Conditions:
Charcot-Marie-Tooth disease type 2. Also called: Charcot-Marie-Tooth type 2. Identifiers: Orphanet 64746, MedGen C0270914, MONDO:0018993.

Submissions (2):

Ambry Genetics
Classification: Uncertain significance. Last evaluated: 2026-08-08. Review status: criteria provided, single submitter. Criteria: Ambry Variant Classification Scheme 2023. Collection method: clinical testing. Allele origin: germline.
Comment: The p.L278W variant (also known as c.833T>G), located in coding exon 8 of the KIF1B gene, results from a T to G substitution at nucleotide position 833. The leucine at codon 278 is replaced by tryptophan, an amino acid with similar properties. This amino acid position is conserved. In addition, this alteration is predicted to be deleterious by in silico analysis. Based on the available evidence, the clinical significance of this variant remains unclear.

Labcorp Genetics (formerly Invitae), Labcorp
Classification: Uncertain significance for Charcot-Marie-Tooth disease type 2. Last evaluated: 2021-06-24. Review status: criteria provided, single submitter. Criteria: Invitae Variant Classification Sherloc (09022015). Collection method: clinical testing. Allele origin: germline.
Comment: This sequence change replaces leucine with tryptophan at codon 278 of the KIF1B protein (p.Leu278Trp). The leucine residue is highly conserved and there is a small physicochemical difference between leucine and tryptophan. This variant is not present in population databases (ExAC no frequency). In summary, the available evidence is currently insufficient to determine the role of this variant in disease. Therefore, it has been classified as a Variant of Uncertain Significance. Algorithms developed to predict the effect of missense changes on protein structure and function are either unavailable or do not agree on the potential impact of this missense change (SIFT: "Deleterious"; PolyPhen-2: "Probably Damaging"; Align-GVGD: "Class C0"). This variant has not been reported in the literature in individuals with KIF1B-related conditions.